The following is an entry in ClinVar:

NM_002972.4(SBF1):c.4027G>C (p.Gly1343Arg)

Gene: SBF1 (SET binding factor 1; minus strand). Cytogenetic location: 22q13.33.
Variant type: single nucleotide variant.
Coding change: c.4027G>C on transcript NM_002972.4 (MANE Select); coding-DNA position 4027, G replaced by C.
Protein change: p.Gly1343Arg; replaces glycine 1343 with arginine.
Molecular consequence: missense variant.
Genome position (GRCh38, 1-based): chr22:50,456,551, C>G on the plus strand (G>C on the coding strand, the complement: SBF1 is on the minus strand). VCF-style: chr22-50456551-C-G. GRCh37 (hg19) VCF-style: chr22-50894980-C-G.
Other names: c.3952G>C, p.Gly1318Arg (NM_001365819.1); c.4030G>C, p.Gly1344Arg (NM_001410794.1); c.3949G>C, p.Gly1317Arg (NM_001410795.1); c.4027G>C, p.Gly1343Arg (NM_197971.1); short protein forms G1318R, G1317R, G1343R, G1344R.
Identifiers: ClinVar variation 1962154 (VCV001962154.5), dbSNP rs945481633, ClinGen allele CA325528999.

ClinVar aggregate classification (germline): Uncertain significance (1 of 4 stars; one submission).

Allele frequency attached by ClinVar (database versions not stated): gnomAD 0.00001; TOPMed 0.00001.
gnomAD v4.1: 6 of 1,588,006 alleles (0.00038%); highest among the groups gnomAD compares: Non-Finnish European, 0.00051%; no homozygotes.

Submission:

Labcorp Genetics (formerly Invitae), Labcorp
Classification: Uncertain significance. Last evaluated: 2022-05-25. Review status: criteria provided, single submitter. Criteria: Invitae Variant Classification Sherloc (09022015). Collection method: clinical testing. Allele origin: germline.
Comment: This sequence change replaces glycine, which is neutral and non-polar, with arginine, which is basic and polar, at codon 1343 of the SBF1 protein (p.Gly1343Arg). The frequency data for this variant in the population databases is considered unreliable, as metrics indicate poor data quality at this position in the gnomAD database. In summary, the available evidence is currently insufficient to determine the role of this variant in disease. Therefore, it has been classified as a Variant of Uncertain Significance. Algorithms developed to predict the effect of missense changes on protein structure and function (SIFT, PolyPhen-2, Align-GVGD) all suggest that this variant is likely to be tolerated. This variant has not been reported in the literature in individuals affected with SBF1-related conditions.